The following is an entry in ClinVar:

NM_001287.6(CLCN7):c.2378G>C (p.Gly793Ala)

Gene: CLCN7 (chloride voltage-gated channel 7; minus strand). Cytogenetic location: 16p13.3.
Variant type: single nucleotide variant.
Coding change: c.2378G>C on transcript NM_001287.6 (MANE Select); coding-DNA position 2378, G replaced by C.
Protein change: p.Gly793Ala; replaces glycine 793 with alanine.
Molecular consequence: missense variant.
Genome position (GRCh38, 1-based): chr16:1,446,671, C>G on the plus strand (G>C on the coding strand, the complement: CLCN7 is on the minus strand). VCF-style: chr16-1446671-C-G. GRCh37 (hg19) VCF-style: chr16-1496672-C-G.
Other names: c.2306G>C, p.Gly769Ala (NM_001114331.3); short protein forms G769A, G793A.
Identifiers: ClinVar variation 3686795 (VCV003686795.2).

ClinVar aggregate classification (germline): Uncertain significance (1 of 4 stars; one submission).

gnomAD v4.1: 1 of 1,586,686 alleles (0.000063%); highest among the groups gnomAD compares: Admixed American, 0.0017%; no homozygotes.

Submission:

Labcorp Genetics (formerly Invitae), Labcorp
Classification: Uncertain significance. Last evaluated: 2024-03-14. Review status: criteria provided, single submitter. Criteria: Invitae Variant Classification Sherloc (09022015). Collection method: clinical testing. Allele origin: germline.
Comment: This sequence change replaces glycine, which is neutral and non-polar, with alanine, which is neutral and non-polar, at codon 793 of the CLCN7 protein (p.Gly793Ala). This variant is not present in population databases (gnomAD no frequency). This variant has not been reported in the literature in individuals affected with CLCN7-related conditions. An algorithm developed to predict the effect of missense changes on protein structure and function (PolyPhen-2) suggests that this variant is likely to be disruptive. In summary, the available evidence is currently insufficient to determine the role of this variant in disease. Therefore, it has been classified as a Variant of Uncertain Significance.